The following is an entry in ClinVar:

ClinVar aggregate classification (germline): Likely benign. Review status: criteria provided, multiple submitters, no conflicts (2 of 4 stars). 5 submissions from 5 submitters: Likely benign (5). Last evaluated 2026-02-01.

Conditions:
Bardet-Biedl syndrome 14 (BBS14). Identifiers: Orphanet 110, MedGen C2673874, MONDO:0014442, OMIM 615991.
Leber congenital amaurosis 10 (LCA10). Identifiers: Orphanet 65, MedGen C1857821, MONDO:0012723, OMIM 611755.
Meckel syndrome, type 4 (MKS4). Also called: MECKEL-GRUBER SYNDROME, TYPE 4. Identifiers: Orphanet 564, MedGen C1970161, MONDO:0012626, OMIM 611134.
Senior-Loken syndrome 6 (SLSN6). Identifiers: Orphanet 3156, MedGen C1857779, MONDO:0012433, OMIM 610189.
Joubert syndrome 5 (JBTS5). Identifiers: Orphanet 2318, MedGen C1857780, MONDO:0012432, OMIM 610188.
Joubert syndrome. Also called: Familial aplasia of the vermis; JOUBERT-BOLTSHAUSER SYNDROME. Identifiers: Orphanet 475, MedGen C5979921, MONDO:0018772.
Nephronophthisis. Also called: Juvenile Nephronophthisis. Identifiers: Orphanet 655, MedGen C0687120, MONDO:0019005, HP:0000090.
Meckel-Gruber syndrome. Also called: DYSENCEPHALIA SPLANCHNOCYSTICA; Dysencephalia splachnocystica; GRUBER SYNDROME. Identifiers: Orphanet 564, MedGen C0265215, MONDO:0018921.

Allele frequency attached by ClinVar (database versions not stated): 1000 Genomes Project 30x 0.00016; 1000 Genomes Project 0.00020; TOPMed 0.00043; gnomAD exomes 0.00048 and 0.00089; ESP Exome Variant Server 0.00051; gnomAD 0.00052 and 0.00053; ExAC 0.00073.
gnomAD v4.1: 1,212 of 1,437,000 alleles (0.084%); highest among the groups gnomAD compares: Non-Finnish European, 0.11%; 1 homozygote.

Submissions (5):

Labcorp Genetics (formerly Invitae), Labcorp
Classification: Likely benign for Joubert syndrome; Meckel-Gruber syndrome; Nephronophthisis. Last evaluated: 2026-02-01. Review status: criteria provided, single submitter. Criteria: Invitae Variant Classification Sherloc (09022015). Collection method: clinical testing. Allele origin: germline.

Blueprint Genetics
Classification: Likely benign. Last evaluated: 2024-10-28. Review status: criteria provided, single submitter. Criteria: ACMG Guidelines, 2015. Collection method: clinical testing. Allele origin: germline.

Fulgent Genetics
Classification: Likely benign for Joubert syndrome 5; Senior-Loken syndrome 6; Meckel syndrome, type 4; Leber congenital amaurosis 10; Bardet-Biedl syndrome 14. Last evaluated: 2021-08-23. Review status: criteria provided, single submitter. Criteria: ACMG Guidelines, 2015. Collection method: clinical testing. Allele origin: unknown.

GeneDx
Classification: Likely benign. Last evaluated: 2017-06-28. Review status: criteria provided, single submitter. Criteria: GeneDx Variant Classification (06012015). Collection method: clinical testing. Allele origin: germline. Affected: yes.
Comment: This variant is considered likely benign or benign based on one or more of the following criteria: it is a conservative change, it occurs at a poorly conserved position in the protein, it is predicted to be benign by multiple in silico algorithms, and/or has population frequency not consistent with disease.

PreventionGenetics, part of Exact Sciences
Classification: Likely benign. Review status: criteria provided, single submitter. Criteria: ACMG Guidelines, 2015. Collection method: clinical testing. Allele origin: germline.

NM_025114.4(CEP290):c.4705-18C>T

Gene: CEP290 (centrosomal protein 290; minus strand). Cytogenetic location: 12q21.32.
Variant type: single nucleotide variant.
Coding change: c.4705-18C>T on transcript NM_025114.4 (MANE Select); 18 bases into the intron before coding-DNA position 4705, C replaced by T.
Molecular consequence: intron variant.
Genome position (GRCh38, 1-based): chr12:88,083,972, G>A on the plus strand (C>T on the coding strand, the complement: CEP290 is on the minus strand). VCF-style: chr12-88083972-G-A. GRCh37 (hg19) VCF-style: chr12-88477749-G-A.
Identifiers: ClinVar variation 261846 (VCV000261846.13), dbSNP rs199751805, ClinGen allele CA6711879.